The following is an entry in ClinVar:

ClinVar aggregate classification (germline): Likely benign (0 of 4 stars; one submission).

Conditions:
MFN2-related disorder. Also called: MFN2-related disorders; MFN2-related condition.

Allele frequency attached by ClinVar (database versions not stated): gnomAD exomes below 0.00001.

Submission:

PreventionGenetics, part of Exact Sciences
Classification: Likely benign for MFN2-related condition. Last evaluated: 2021-06-01. Review status: no assertion criteria provided. Collection method: clinical testing. Allele origin: germline.
Comment: This variant is classified as likely benign based on ACMG/AMP sequence variant interpretation guidelines (Richards et al. 2015 PMID: 25741868, with internal and published modifications).

NM_014874.4(MFN2):c.1155G>A (p.Glu385=)

Gene: MFN2 (mitofusin 2; plus strand). Cytogenetic location: 1p36.22.
Variant type: single nucleotide variant.
Coding change: c.1155G>A on transcript NM_014874.4 (MANE Select); coding-DNA position 1155, G replaced by A.
Protein change: p.Glu385=; no amino-acid change (glutamic acid 385 retained).
Molecular consequence: synonymous variant.
Genome position (GRCh38, 1-based): chr1:12,002,098, G>A. VCF-style: chr1-12002098-G-A. GRCh37 (hg19) VCF-style: chr1-12062155-G-A.
Other names: c.1155G>A, p.Glu385= (NM_001127660.2).
Identifiers: ClinVar variation 3061141 (VCV003061141.2), dbSNP rs1213401918, ClinGen allele CA416109388.